The following is an entry in ClinVar:

NM_001278716.2(FBXL4):c.1387A>G (p.Met463Val)

Gene: FBXL4 (F-box and leucine rich repeat protein 4; minus strand). Cytogenetic location: 6q16.1.
Variant type: single nucleotide variant.
Coding change: c.1387A>G on transcript NM_001278716.2 (MANE Select); coding-DNA position 1387, A replaced by G.
Protein change: p.Met463Val; replaces methionine 463 with valine.
Molecular consequence: missense variant. On other transcripts: non-coding transcript variant (1).
Genome position (GRCh38, 1-based): chr6:98,880,555, T>C on the plus strand (A>G on the coding strand, the complement: FBXL4 is on the minus strand). VCF-style: chr6-98880555-T-C. GRCh37 (hg19) VCF-style: chr6-99328431-T-C.
Other names: c.1387A>G, p.Met463Val (NM_012160.5); short protein forms M463V.
Identifiers: ClinVar variation 2664233 (VCV002664233.1), dbSNP rs2534919309, ClinGen allele CA365089252.

ClinVar aggregate classification (germline): Uncertain significance (1 of 4 stars; one submission).

Conditions:
Mitochondrial DNA depletion syndrome 13. Also called: Mitochondrial DNA depletion syndrome 13 (encephalomyopathic type); FBXL4-Related Encephalomyopathic Mitochondrial DNA Depletion Syndrome. Identifiers: Orphanet 369897, MedGen C3809592, MONDO:0014198, OMIM 615471.

gnomAD v4.1: 1 of 1,613,558 alleles (0.000062%); highest among the groups gnomAD compares: Non-Finnish European, 0.000085%; no homozygotes.

Submission:

Neuberg Centre For Genomic Medicine, NCGM
Classification: Uncertain significance for Mitochondrial DNA depletion syndrome 13. Review status: criteria provided, single submitter. Criteria: ACMG Guidelines, 2015. Collection method: clinical testing. Allele origin: germline. Inheritance: Autosomal recessive inheritance. Affected: yes.
Comment: The missense c.1387A>G(p.Met463Val) variant in splice region in FBXL4 gene has not been reported previously as a pathogenic variant nor as a benign variant, to our knowledge. The p.Met463Val variant is novel (not in any individuals) in gnomAD Exomes and 1000 Genomes database. This variant has not been reported to the ClinVar database. The amino acid Met at position 463 is changed to a Val changing protein sequence and it might alter its composition and physico-chemical properties. For these reasons, this variant has been classified as Variant of Uncertain Significance (VUS).